The following is an entry in ClinVar:

ClinVar aggregate classification (germline): Likely benign. Review status: criteria provided, multiple submitters, no conflicts (2 of 4 stars). 3 submissions from 3 submitters: Likely benign (3). Last evaluated 2025-06-12.

Allele frequency attached by ClinVar (database versions not stated): gnomAD exomes 0.00004; ExAC 0.00009; gnomAD 0.00017; TOPMed 0.00020; ESP Exome Variant Server 0.00038.
gnomAD v4.1: 80 of 1,613,910 alleles (0.005%); highest among the groups gnomAD compares: African/African-American, 0.075%; no homozygotes.

Submissions (3):

Labcorp Genetics (formerly Invitae), Labcorp
Classification: Likely benign. Last evaluated: 2025-06-12. Review status: criteria provided, single submitter. Criteria: Invitae Variant Classification Sherloc (09022015). Collection method: clinical testing. Allele origin: germline.

Blueprint Genetics
Classification: Likely benign. Last evaluated: 2024-05-02. Review status: criteria provided, single submitter. Criteria: ACMG Guidelines, 2015. Collection method: clinical testing. Allele origin: germline.

CeGaT Center for Human Genetics Tuebingen
Classification: Likely benign. Last evaluated: 2022-07-01. Review status: criteria provided, single submitter. Criteria: CeGaT Center For Human Genetics Tuebingen Variant Classification Criteria Version 2. Collection method: clinical testing. Allele origin: germline. Affected: yes. Observed: 1 variant allele.
Comment: DZIP1L: BP4, BP7

NM_173543.3(DZIP1L):c.1005G>A (p.Thr335=)

Gene: DZIP1L (DAZ interacting zinc finger protein 1 like; minus strand). Cytogenetic location: 3q22.3.
Variant type: single nucleotide variant.
Coding change: c.1005G>A on transcript NM_173543.3 (MANE Select); coding-DNA position 1005, G replaced by A.
Protein change: p.Thr335=; no amino-acid change (threonine 335 retained).
Molecular consequence: synonymous variant.
Genome position (GRCh38, 1-based): chr3:138,087,018, C>T on the plus strand (G>A on the coding strand, the complement: DZIP1L is on the minus strand). VCF-style: chr3-138087018-C-T. GRCh37 (hg19) VCF-style: chr3-137805860-C-T.
Other names: c.1005G>A, p.Thr335= (NM_001170538.1).
Identifiers: ClinVar variation 2654186 (VCV002654186.28), dbSNP rs140378925, ClinGen allele CA2635068.